The following is an entry in ClinVar:

NM_183075.3(CYP2U1):c.1001del (p.Asn334fs)

Gene: CYP2U1 (cytochrome P450 family 2 subfamily U member 1; plus strand). Cytogenetic location: 4q25.
Variant type: Deletion.
Coding change: c.1001del on transcript NM_183075.3 (MANE Select); coding-DNA position 1001, one base deleted (A; older notation c.1001delA).
Protein change: p.Asn334fs; shifts the reading frame from asparagine 334.
Molecular consequence: frameshift variant.
Genome position (GRCh38, 1-based): chr4:107,945,480, A deleted; the last of 2 consecutive A bases (chr4:107,945,479-107,945,480); deleting either gives the same sequence. VCF-style (leftmost placement, unchanged base first): chr4-107945478-TA-T. GRCh37 (hg19) VCF-style: chr4-108866634-TA-T.
Other names: c.1001delA (NM_183075.3); short protein forms N334fs.
Identifiers: ClinVar variation 3768835 (VCV003768835.1).

ClinVar aggregate classification (germline): Pathogenic (1 of 4 stars; one submission).

Conditions:
Hereditary spastic paraplegia 56. Also called: Spastic Paraplegia 56; SPASTIC PARAPLEGIA 56, AUTOSOMAL RECESSIVE, WITH OR WITHOUT PSEUDOXANTHOMA ELASTICUM; Spastic paraplegia 56, autosomal recessive. Identifiers: Orphanet 320411, MedGen C3539507, MONDO:0014015, OMIM 615030.

Submission:

Women's Health and Genetics/Laboratory Corporation of America, LabCorp
Classification: Pathogenic for Hereditary spastic paraplegia 56. Last evaluated: 2025-02-25. Review status: criteria provided, single submitter. Criteria: LabCorp Variant Classification Summary - May 2015. Collection method: clinical testing. Allele origin: germline.
Comment: Variant summary: CYP2U1 c.1001delA (p.Asn334ThrfsX37) results in a premature termination codon, predicted to cause a truncation of the encoded protein or absence of the protein due to nonsense mediated decay, which are commonly known mechanisms for disease. The variant allele was found at a frequency of 3.2e-05 in 250686 control chromosomes. To our knowledge, no occurrence of c.1001delA in individuals affected with Hereditary Spastic Paraplegia 56 and no experimental evidence demonstrating its impact on protein function have been reported. No submitters have cited clinical-significance assessments for this variant to ClinVar. Based on the evidence outlined above, the variant was classified as pathogenic.